The following is an entry in ClinVar:

NM_015175.3(NBEAL2):c.2447C>T (p.Thr816Met)

Gene: NBEAL2 (neurobeachin like 2; plus strand). Cytogenetic location: 3p21.31.
Variant type: single nucleotide variant.
Coding change: c.2447C>T on transcript NM_015175.3 (MANE Select); coding-DNA position 2447, C replaced by T.
Protein change: p.Thr816Met; replaces threonine 816 with methionine.
Molecular consequence: missense variant.
Genome position (GRCh38, 1-based): chr3:46,996,566, C>T. VCF-style: chr3-46996566-C-T. GRCh37 (hg19) VCF-style: chr3-47038056-C-T.
Other names: c.2345C>T, p.Thr782Met (NM_001365116.2); short protein forms T782M, T816M.
Identifiers: ClinVar variation 3375027 (VCV003375027.1).

ClinVar aggregate classification (germline): Uncertain significance (1 of 4 stars; one submission).

gnomAD v4.1: 50 of 1,537,610 alleles (0.0033%); highest among the groups gnomAD compares: South Asian, 0.049%; no homozygotes.

Submission:

Women's Health and Genetics/Laboratory Corporation of America, LabCorp
Classification: Uncertain significance. Last evaluated: 2024-09-05. Review status: criteria provided, single submitter. Criteria: LabCorp Variant Classification Summary - May 2015. Collection method: clinical testing. Allele origin: germline.
Comment: Variant summary: NBEAL2 c.2447C>T (p.Thr816Met) results in a non-conservative amino acid change in the encoded protein sequence. Three of five in-silico tools predict a benign effect of the variant on protein function. The variant allele was found at a frequency of 7.3e-05 in 178096 control chromosomes. This frequency is not significantly higher than estimated for a pathogenic variant in NBEAL2 causing Gray Platelet Syndrome, allowing no conclusion about variant significance. To our knowledge, no occurrence of c.2447C>T in individuals affected with Gray Platelet Syndrome and no experimental evidence demonstrating its impact on protein function have been reported. No submitters have cited clinical-significance assessments for this variant to ClinVar. Based on the evidence outlined above, the variant was classified as uncertain significance.